The following is an entry in ClinVar:

ClinVar aggregate classification (germline): Uncertain significance (1 of 4 stars; one submission).

Conditions:
Cardiovascular phenotype. Identifiers: MedGen CN230736.

Allele frequency attached by ClinVar (database versions not stated): gnomAD 0.00001; TOPMed 0.00001.
gnomAD v4.1: 6 of 1,546,694 alleles (0.00039%); highest among the groups gnomAD compares: African/African-American, 0.0041%; no homozygotes.

Submission:

Ambry Genetics
Classification: Uncertain significance for Cardiovascular phenotype. Last evaluated: 2022-07-14. Review status: criteria provided, single submitter. Criteria: Ambry Variant Classification Scheme 2023. Collection method: clinical testing. Allele origin: germline.
Comment: The p.S3555F variant (also known as c.10664C>T), located in coding exon 2 of the ZNF469 gene, results from a C to T substitution at nucleotide position 10664. The serine at codon 3555 is replaced by phenylalanine, an amino acid with highly dissimilar properties. This amino acid position is conserved. In addition, this alteration is predicted to be tolerated by in silico analysis. Since supporting evidence is limited at this time, the clinical significance of this alteration remains unclear.

NM_001367624.2(ZNF469):c.10748C>T (p.Ser3583Phe)

Gene: ZNF469 (zinc finger protein 469; plus strand). Cytogenetic location: 16q24.2.
Variant type: single nucleotide variant.
Coding change: c.10748C>T on transcript NM_001367624.2 (MANE Select); coding-DNA position 10748, C replaced by T.
Protein change: p.Ser3583Phe; replaces serine 3583 with phenylalanine.
Molecular consequence: missense variant.
Genome position (GRCh38, 1-based): chr16:88,438,218, C>T. VCF-style: chr16-88438218-C-T. GRCh37 (hg19) VCF-style: chr16-88504626-C-T.
Other names: NM_001127464.1:c.10664C>T; short protein forms S3583F.
Identifiers: ClinVar variation 1781733 (VCV001781733.2), dbSNP rs767728536, ClinGen allele CA397127671.
Genomic context (GRCh38, chr16:88,438,218, plus strand): 5'-CTGATGGCAGAGGAGACTGCGCGCTGGACGGAGCCCTGGAGAGGCCAGAGAACGAGGCTT[C>T]CCCAGGCAGCCCCGGGCCTCTTCTCCAGCAAGCTCTCCCTCTGGGGGCATCTCTGCCGCG-3'
Protein context (NP_001354553.1, residues 3573-3593): GALERPENEA[Ser3583Phe]PGSPGPLLQQ